The following is an entry in ClinVar:

ClinVar aggregate classification (germline): Uncertain significance (1 of 4 stars; one submission).

Conditions:
Cardiovascular phenotype. Identifiers: MedGen CN230736.

Submission:

Ambry Genetics
Classification: Uncertain significance for Cardiovascular phenotype. Last evaluated: 2026-01-23. Review status: criteria provided, single submitter. Criteria: Ambry Variant Classification Scheme 2023. Collection method: clinical testing. Allele origin: germline.
Comment: The c.314delG variant, located in coding exon 4 of the TXNRD2 gene, results from a deletion of one nucleotide at nucleotide position 314, causing a translational frameshift with a predicted alternate stop codon (p.G105Afs*2). The evidence for this gene-disease relationship is limited; therefore, the clinical significance of this variant is unclear.

NM_006440.5(TXNRD2):c.314del (p.Gly105fs)

Gene: TXNRD2 (thioredoxin reductase 2; minus strand). Cytogenetic location: 22q11.21.
Variant type: Deletion.
Coding change: c.314del on transcript NM_006440.5 (MANE Select); coding-DNA position 314, one base deleted (G; older notation c.314delG).
Protein change: p.Gly105fs; shifts the reading frame from glycine 105.
Molecular consequence: frameshift variant. On other transcripts: non-coding transcript variant (1).
Genome position (GRCh38, 1-based): chr22:19,918,920, C deleted on the plus strand (G on the coding strand, the reverse complement: TXNRD2 is on the minus strand); the first of 2 consecutive C bases (chr22:19,918,920-19,918,921); deleting either gives the same sequence. VCF-style (leftmost placement, unchanged base first): chr22-19918919-GC-G. GRCh37 (hg19) VCF-style: chr22-19906442-GC-G.
Other names: c.314delG (NM_006440.3); c.314del, p.Gly105fs (NM_001282512.3); c.311del, p.Gly104fs (NM_001352300.2); c.224del, p.Gly75fs (NM_001352301.2); c.26del, p.Gly9fs (NM_001352302.2); c.218del, p.Gly73fs (NM_001352303.2); short protein forms G73fs, G75fs, G104fs, G9fs, G105fs.
Identifiers: ClinVar variation 4842255 (VCV004842255.1).